The following is an entry in ClinVar:

ClinVar aggregate classification (germline): Likely pathogenic (1 of 4 stars; one submission).

Conditions:
Epidermolysis bullosa dystrophica. Also called: Dystrophic epidermolysis bullosa, Hallopeau-Siemens type (formerly); Dystrophic epidermolysis bullosa. Identifiers: Orphanet 303, MedGen C0079294, MONDO:0006543.

Submission:

Natera, Inc.
Classification: Likely pathogenic for Dystrophic epidermolysis bullosa. Last evaluated: 2024-05-14. Review status: criteria provided, single submitter. Criteria: Natera Variant Classification Schema (03/2026). Collection method: clinical testing. Allele origin: germline.
Comment: The c.400C>T variant in COL7A1 is a nonsense variant predicted to introduce a stop codon at amino acid 134. This variant is expected to result in nonsense mediated decay, truncation, or a dysfunctional protein product. This variant is rare in the general population with a frequency below the threshold expected for the associated phenotype(s). Given the available evidence, this variant is classified as Likely Pathogenic.

NM_000094.4(COL7A1):c.400C>T (p.Gln134Ter)

Gene: COL7A1 (collagen type VII alpha 1 chain; minus strand). Cytogenetic location: 3p21.31.
Variant type: single nucleotide variant.
Coding change: c.400C>T on transcript NM_000094.4 (MANE Select); coding-DNA position 400, C replaced by T.
Protein change: p.Gln134Ter; replaces glutamine 134 with a stop codon.
Molecular consequence: nonsense.
Genome position (GRCh38, 1-based): chr3:48,593,563, G>A on the plus strand (C>T on the coding strand, the complement: COL7A1 is on the minus strand). VCF-style: chr3-48593563-G-A. GRCh37 (hg19) VCF-style: chr3-48630996-G-A.
Other names: short protein forms Q134*.
Identifiers: ClinVar variation 4817373 (VCV004817373.1).